The following is an entry in ClinVar:

ClinVar aggregate classification (germline): Uncertain significance (1 of 4 stars; one submission).

Submission:

Labcorp Genetics (formerly Invitae), Labcorp
Classification: Uncertain significance. Last evaluated: 2023-01-19. Review status: criteria provided, single submitter. Criteria: Invitae Variant Classification Sherloc (09022015). Collection method: clinical testing. Allele origin: germline.
Comment: In summary, the available evidence is currently insufficient to determine the role of this variant in disease. Therefore, it has been classified as a Variant of Uncertain Significance. This variant has not been reported in the literature in individuals affected with PDE10A-related conditions. Information on the frequency of this variant in the gnomAD database is not available, as this variant may be reported differently in the database. This sequence change falls in intron 12 of the PDE10A gene. It does not directly change the encoded amino acid sequence of the PDE10A protein.

NM_001385079.1(PDE10A):c.1890-19_1890-18delinsCC

Gene: PDE10A (phosphodiesterase 10A; minus strand). Cytogenetic location: 6q27.
Variant type: Indel.
Coding change: c.1890-19_1890-18delinsCC on transcript NM_001385079.1 (MANE Select); 19 bases into the intron before coding-DNA position 1890 through 18 bases into the intron before coding-DNA position 1890, TG replaced by CC.
Molecular consequence: intron variant.
Genome position (GRCh38, 1-based): chr6:165,413,705-165,413,706, CA replaced by GG on the plus strand (TG replaced by CC on the coding strand, the reverse complement: PDE10A is on the minus strand). VCF-style: chr6-165413705-CA-GG. GRCh37 (hg19) VCF-style: chr6-165827193-CA-GG.
Other names: c.1092-19_1092-18delinsCC (NM_001130690.3); c.1062-19_1062-18delinsCC (NM_006661.4).
Identifiers: ClinVar variation 2954896 (VCV002954896.3), dbSNP rs2533851253, ClinGen allele CA2740091540.